The following is an entry in ClinVar:

ClinVar aggregate classification (germline): Likely benign. Review status: criteria provided, multiple submitters, no conflicts (2 of 4 stars). 4 submissions from 4 submitters: Likely benign (3). 1 of the submissions does not count toward it. Last evaluated 2025-11-28.

Conditions:
CLN8-related disorder. Also called: CLN8-related condition.
Inborn genetic diseases. Identifiers: MedGen C0950123, MeSH D030342.
Neuronal ceroid lipofuscinosis. Also called: Neuronal Ceroid Lipofuscinoses. Identifiers: Orphanet 216, Orphanet 79263, MedGen C0027877, MONDO:0016295. Disease mechanism: loss of function.

Allele frequency attached by ClinVar (database versions not stated): gnomAD exomes below 0.00001; ExAC 0.00001; gnomAD 0.00005 and 0.00006; TOPMed 0.00009; 1000 Genomes Project 0.00020; 1000 Genomes Project 30x 0.00031.
gnomAD v4.1: 16 of 1,614,222 alleles (0.00099%); highest among the groups gnomAD compares: Admixed American, 0.013%; no homozygotes.

Submissions (4):

Labcorp Genetics (formerly Invitae), Labcorp
Classification: Likely benign for Neuronal ceroid lipofuscinosis. Last evaluated: 2025-11-28. Review status: criteria provided, single submitter. Criteria: Invitae Variant Classification Sherloc (09022015). Collection method: clinical testing. Allele origin: germline.

Blueprint Genetics
Classification: Likely benign. Last evaluated: 2024-02-26. Review status: criteria provided, single submitter. Criteria: ACMG Guidelines, 2015. Collection method: clinical testing. Allele origin: germline.

Ambry Genetics
Classification: Likely benign for Inborn genetic diseases. Last evaluated: 2016-11-04. Review status: criteria provided, single submitter. Criteria: Ambry Variant Classification Scheme 2023. Collection method: clinical testing. Allele origin: germline.

PreventionGenetics, part of Exact Sciences
Classification: Likely benign for CLN8-related condition. Last evaluated: 2023-07-30. Review status: no assertion criteria provided. Collection method: clinical testing. Allele origin: germline. Not counted in ClinVar's aggregate classification.
Comment: This variant is classified as likely benign based on ACMG/AMP sequence variant interpretation guidelines (Richards et al. 2015 PMID: 25741868, with internal and published modifications).

NM_018941.4(CLN8):c.666G>A (p.Leu222=)

Gene: CLN8 (CLN8 transmembrane ER and ERGIC protein; plus strand). Cytogenetic location: 8p23.3.
Variant type: single nucleotide variant.
Coding change: c.666G>A on transcript NM_018941.4 (MANE Select); coding-DNA position 666, G replaced by A.
Protein change: p.Leu222=; no amino-acid change (leucine 222 retained).
Molecular consequence: synonymous variant.
Genome position (GRCh38, 1-based): chr8:1,780,372, G>A. VCF-style: chr8-1780372-G-A. GRCh37 (hg19) VCF-style: chr8-1728538-G-A.
Identifiers: ClinVar variation 457978 (VCV000457978.18), dbSNP rs532934034, ClinGen allele CA4599331.